The following is an entry in ClinVar:

ClinVar aggregate classification (germline): Uncertain significance. Review status: criteria provided, multiple submitters, no conflicts (2 of 4 stars). 4 submissions from 4 submitters: Uncertain significance (4). Last evaluated 2025-07-28.

Conditions:
Inborn genetic diseases. Identifiers: MedGen C0950123, MeSH D030342.
IMPG2-related disorder. Also called: IMPG2-related condition.

Allele frequency attached by ClinVar (database versions not stated): gnomAD exomes 0.00003; TOPMed 0.00014; 1000 Genomes Project 30x 0.00016; gnomAD 0.00017; 1000 Genomes Project 0.00020; ESP Exome Variant Server 0.00023.
gnomAD v4.1: 68 of 1,614,070 alleles (0.0042%); highest among the groups gnomAD compares: African/African-American, 0.056%; no homozygotes.

Submissions (4):

PreventionGenetics, part of Exact Sciences
Classification: Uncertain significance for IMPG2-related condition. Last evaluated: 2025-07-28. Review status: criteria provided, single submitter. Criteria: ACMG Guidelines, 2015. Collection method: clinical testing. Allele origin: germline.
Comment: The IMPG2 c.1892C>T variant is predicted to result in the amino acid substitution p.Pro631Leu. To our knowledge, this variant has not been reported in the literature. This variant is reported in 0.044% of alleles in individuals of African descent in gnomAD. At this time, the clinical significance of this variant is uncertain due to the absence of conclusive functional and genetic evidence.

Labcorp Genetics (formerly Invitae), Labcorp
Classification: Uncertain significance. Last evaluated: 2024-03-15. Review status: criteria provided, single submitter. Criteria: Invitae Variant Classification Sherloc (09022015). Collection method: clinical testing. Allele origin: germline.
Comment: This sequence change replaces proline, which is neutral and non-polar, with leucine, which is neutral and non-polar, at codon 631 of the IMPG2 protein (p.Pro631Leu). This variant is present in population databases (rs148110369, gnomAD 0.04%). This variant has not been reported in the literature in individuals affected with IMPG2-related conditions. ClinVar contains an entry for this variant (Variation ID: 1018563). Advanced modeling of protein sequence and biophysical properties (such as structural, functional, and spatial information, amino acid conservation, physicochemical variation, residue mobility, and thermodynamic stability) performed at Invitae indicates that this missense variant is not expected to disrupt IMPG2 protein function with a negative predictive value of 80%. In summary, the available evidence is currently insufficient to determine the role of this variant in disease. Therefore, it has been classified as a Variant of Uncertain Significance.

Blueprint Genetics
Classification: Uncertain significance. Last evaluated: 2023-12-07. Review status: criteria provided, single submitter. Criteria: ACMG Guidelines, 2015. Collection method: clinical testing. Allele origin: germline.

Ambry Genetics
Classification: Uncertain significance for Inborn genetic diseases. Last evaluated: 2022-04-13. Review status: criteria provided, single submitter. Criteria: Ambry Variant Classification Scheme 2023. Collection method: clinical testing. Allele origin: germline.

NM_016247.4(IMPG2):c.1892C>T (p.Pro631Leu)

Gene: IMPG2 (interphotoreceptor matrix proteoglycan 2; minus strand). Cytogenetic location: 3q12.3.
Variant type: single nucleotide variant.
Coding change: c.1892C>T on transcript NM_016247.4 (MANE Select); coding-DNA position 1892, C replaced by T.
Protein change: p.Pro631Leu; replaces proline 631 with leucine.
Molecular consequence: missense variant.
Genome position (GRCh38, 1-based): chr3:101,244,439, G>A on the plus strand (C>T on the coding strand, the complement: IMPG2 is on the minus strand). VCF-style: chr3-101244439-G-A. GRCh37 (hg19) VCF-style: chr3-100963283-G-A.
Other names: c.1892C>T (NM_016247.3); short protein forms P631L.
Identifiers: ClinVar variation 1018563 (VCV001018563.10), dbSNP rs148110369, ClinGen allele CA2519074.